The following is an entry in ClinVar:

ClinVar aggregate classification (germline): Likely pathogenic (1 of 4 stars; one submission).

Submission:

Labcorp Genetics (formerly Invitae), Labcorp
Classification: Likely pathogenic. Last evaluated: 2025-01-27. Review status: criteria provided, single submitter. Criteria: Invitae Variant Classification Sherloc (09022015). Collection method: clinical testing. Allele origin: germline.
Comment: This variant results in the deletion of part of exon 41 (c.4381_4496+580del) of the TTC37 gene. It is expected to disrupt RNA splicing. Variants that disrupt the donor or acceptor splice site typically lead to a loss of protein function (PMID: 16199547), and loss-of-function variants in TTC37 are known to be pathogenic (PMID: 20176027, 21120949). This variant is not present in population databases (gnomAD no frequency). This variant has not been reported in the literature in individuals affected with TTC37-related conditions. This variant disrupts a region of the TTC37 protein in which other variant(s) (p.Leu1485Arg) have been observed in individuals with TTC37-related conditions (PMID: 21120949). This suggests that this is a clinically significant region of the protein, and that variants that disrupt it are likely to be disease-causing. In summary, the currently available evidence indicates that the variant is pathogenic, but additional data are needed to prove that conclusively. Therefore, this variant has been classified as Likely Pathogenic.

Literature cited by the submitters: PubMed 16199547; PubMed 20176027; PubMed 21120949.

NM_014639.4(SKIC3):c.4381_4496+580del

Gene: SKIC3 (SKI3 subunit of superkiller complex; minus strand). Cytogenetic location: 5q15.
Variant type: Deletion.
Coding change: c.4381_4496+580del on transcript NM_014639.4 (MANE Select); coding-DNA position 4381 through 580 bases into the intron after coding-DNA position 4496, 696 bases deleted.
Molecular consequence: splice donor variant.
Genome position (GRCh38, 1-based): chr5:95,469,200-95,469,895, 696 bases deleted. GRCh37 (hg19): chr5:94,804,904-94,805,599.
Identifiers: ClinVar variation 1491196 (VCV001491196.6), dbSNP rs2152773598, ClinGen allele CA2573140118.